The following is an entry in ClinVar:

ClinVar aggregate classification (germline): Likely benign. Review status: criteria provided, single submitter (1 of 4 stars). 2 submissions from 2 submitters: Likely benign (1). 1 of the submissions does not count toward it. Last evaluated 2025-10-30.

Conditions:
EIF4G1-related disorder. Also called: EIF4G1-related condition.

Allele frequency attached by ClinVar (database versions not stated): gnomAD 0.00026; TOPMed 0.00027; 1000 Genomes Project 30x 0.00031; ESP Exome Variant Server 0.00023; ExAC 0.00017.

Submissions (2):

Mayo Clinic Laboratories, Mayo Clinic
Classification: Likely benign. Last evaluated: 2025-10-30. Review status: criteria provided, single submitter. Criteria: ACMG Guidelines, 2015. Collection method: clinical testing. Allele origin: germline. Observed: 1 variant allele.
Comment: BS2, BP4, BP7

PreventionGenetics, part of Exact Sciences
Classification: Likely benign for EIF4G1-related condition. Last evaluated: 2019-03-08. Review status: no assertion criteria provided. Collection method: clinical testing. Allele origin: germline. Not counted in ClinVar's aggregate classification.
Comment: This variant is classified as likely benign based on ACMG/AMP sequence variant interpretation guidelines (Richards et al. 2015 PMID: 25741868, with internal and published modifications).

NM_198241.3(EIF4G1):c.960C>T (p.Leu320=)

Gene: EIF4G1 (eukaryotic translation initiation factor 4 gamma 1; plus strand). Cytogenetic location: 3q27.1.
Variant type: single nucleotide variant.
Coding change: c.960C>T on transcript NM_198241.3 (MANE Select); coding-DNA position 960, C replaced by T.
Protein change: p.Leu320=; no amino-acid change (leucine 320 retained).
Molecular consequence: synonymous variant.
Genome position (GRCh38, 1-based): chr3:184,321,544, C>T. VCF-style: chr3-184321544-C-T. GRCh37 (hg19) VCF-style: chr3-184039332-C-T.
Other names: p.Leu320=; c.981C>T, p.Leu327= (NM_001194946.2, NM_001194947.2); c.840C>T, p.Leu280= (NM_001291157.2); c.372C>T, p.Leu124= (NM_004953.5); c.960C>T, p.Leu320= (NM_182917.4); c.468C>T, p.Leu156= (NM_198242.3); c.699C>T, p.Leu233= (NM_198244.3).
Identifiers: ClinVar variation 3034550 (VCV003034550.3), dbSNP rs112561176, ClinGen allele CA2732091.